The following is an entry in ClinVar:

NM_006033.4(LIPG):c.544G>C (p.Val182Leu)

Gene: LIPG (lipase G, endothelial type; plus strand). Cytogenetic location: 18q21.1.
Variant type: single nucleotide variant.
Coding change: c.544G>C on transcript NM_006033.4 (MANE Select); coding-DNA position 544, G replaced by C.
Protein change: p.Val182Leu; replaces valine 182 with leucine.
Molecular consequence: missense variant.
Genome position (GRCh38, 1-based): chr18:49,569,521, G>C. VCF-style: chr18-49569521-G-C. GRCh37 (hg19) VCF-style: chr18-47095891-G-C.
Other names: c.544G>C, p.Val182Leu (NM_001308006.2); short protein forms V182L.
Identifiers: ClinVar variation 3614723 (VCV003614723.2).

ClinVar aggregate classification (germline): Uncertain significance (1 of 4 stars; one submission).

gnomAD v4.1: 15 of 1,614,014 alleles (0.00093%); highest among the groups gnomAD compares: Non-Finnish European, 0.0011%; no homozygotes.

Submission:

Labcorp Genetics (formerly Invitae), Labcorp
Classification: Uncertain significance. Last evaluated: 2024-08-20. Review status: criteria provided, single submitter. Criteria: Invitae Variant Classification Sherloc (09022015). Collection method: clinical testing. Allele origin: germline.
Comment: This sequence change replaces valine, which is neutral and non-polar, with leucine, which is neutral and non-polar, at codon 182 of the LIPG protein (p.Val182Leu). This variant is present in population databases (rs748426191, gnomAD 0.004%). This variant has not been reported in the literature in individuals affected with LIPG-related conditions. An algorithm developed to predict the effect of missense changes on protein structure and function (PolyPhen-2) suggests that this variant is likely to be disruptive. In summary, the available evidence is currently insufficient to determine the role of this variant in disease. Therefore, it has been classified as a Variant of Uncertain Significance.